The following is an entry in ClinVar:

NM_000059.4(BRCA2):c.6823G>A (p.Glu2275Lys)

Gene: BRCA2 (BRCA2 DNA repair associated; plus strand). Cytogenetic location: 13q13.1.
Variant type: single nucleotide variant.
Coding change: c.6823G>A on transcript NM_000059.4 (MANE Select); coding-DNA position 6823, G replaced by A.
Protein change: p.Glu2275Lys; replaces glutamic acid 2275 with lysine.
Molecular consequence: missense variant.
Genome position (GRCh38, 1-based): chr13:32,341,178, G>A. VCF-style: chr13-32341178-G-A. GRCh37 (hg19) VCF-style: chr13-32915315-G-A.
Other names: p.E2275K:GAG>AAG; short protein forms E2275K.
Identifiers: ClinVar variation 142290 (VCV000142290.27), dbSNP rs587782362, ClinGen allele CA024463.

ClinVar aggregate classification (germline): Conflicting classifications of pathogenicity. Review status: criteria provided, conflicting classifications (1 of 4 stars). 9 submissions from 9 submitters: Uncertain significance (7); Likely benign (2). Last evaluated 2025-06-27.

Conditions:
Hereditary cancer-predisposing syndrome. Also called: Neoplastic Syndromes, Hereditary; Hereditary Cancer Syndrome; Hereditary neoplastic syndrome; Tumor predisposition. Identifiers: Orphanet 140162, MedGen C0027672, MeSH D009386, MONDO:0015356.
Hereditary breast ovarian cancer syndrome. Also called: Hereditary breast and ovarian cancer syndrome; Hereditary breast and/or ovarian cancer syndrome; BRCA1- and BRCA2-Associated Hereditary Breast and Ovarian Cancer; Hereditary breast and ovarian cancer; Breast and ovarian cancer; Hereditary breast and ovarian cancer syndrome (HBOC). Identifiers: Orphanet 145, MedGen C0677776, MeSH D061325, MONDO:0003582. Disease mechanism: loss of function.
Breast-ovarian cancer, familial, susceptibility to, 2 (BROVCA2). Also called: BRCA2 Hereditary Breast and Ovarian Cancer. Identifiers: Orphanet 145, MedGen C2675520, MONDO:0012933, OMIM 612555. Disease mechanism: loss of function.

Allele frequency attached by ClinVar (database versions not stated): gnomAD exomes below 0.00001 and 0.00001.
gnomAD v4.1: 16 of 1,613,956 alleles (0.00099%); highest among the groups gnomAD compares: East Asian, 0.0022%; no homozygotes.

Submissions (9):

Myriad Genetics, Inc.
Classification: Likely benign for Breast-ovarian cancer, familial, susceptibility to, 2. Last evaluated: 2025-06-27. Review status: criteria provided, single submitter. Criteria: Myriad Autosomal Dominant, Autosomal Recessive and X-Linked Classification Criteria (2023). Collection method: clinical testing. Allele origin: unknown.
Comment: This variant is considered likely benign. This variant is strongly associated with less severe personal and family histories of cancer, typical for individuals without pathogenic variants in this gene [PMID: 25085752].

Center for Genomic Medicine, Rigshospitalet, Copenhagen University Hospital
Classification: Uncertain significance. Last evaluated: 2025-03-04. Review status: criteria provided, single submitter. Criteria: ACMG Guidelines, 2015. Collection method: clinical testing. Allele origin: germline.

Color Diagnostics, LLC DBA Color Health
Classification: Uncertain significance for Hereditary cancer-predisposing syndrome. Last evaluated: 2024-11-18. Review status: criteria provided, single submitter. Criteria: ACMG Guidelines, 2015. Collection method: clinical testing. Allele origin: germline.
Comment: This missense variant replaces glutamic acid with lysine at codon 2275 of the BRCA2 protein. Computational prediction suggests that this variant may not impact protein structure and function. To our knowledge, functional studies have not been reported for this variant. This variant has been reported in an individual affected with breast cancer (PMID: 33471991; Leiden Open Variation Database DB-ID BRCA2_002285) and in unaffected individuals (PMID: 30287823, 31214711, 32980694). Multifactorial analyses have reported likelihood ratios for pathogenicity based on segregation and personal and family history (PMID: 31131967, 31853058), reaching a combined LR = 0.699888. This variant has been identified in 1/250282 chromosomes in the general population by the Genome Aggregation Database (gnomAD). The available evidence is insufficient to determine the role of this variant in disease conclusively. Therefore, this variant is classified as a Variant of Uncertain Significance.

Ambry Genetics
Classification: Uncertain significance for Hereditary cancer-predisposing syndrome. Last evaluated: 2023-12-01. Review status: criteria provided, single submitter. Criteria: Ambry Variant Classification Scheme 2023. Collection method: clinical testing. Allele origin: germline.
Comment: The p.E2275K variant (also known as c.6823G>A), located in coding exon 10 of the BRCA2 gene, results from a G to A substitution at nucleotide position 6823. The glutamic acid at codon 2275 is replaced by lysine, an amino acid with similar properties. This alteration was not observed in 7,051 unselected female breast cancer patients and was observed with an allele frequency of 0.00009 in 11,241 female controls of Japanese ancestry. In addition, it was not observed in 53 unselected male breast cancer patients and was observed with an allele frequency of 0.0001 in 12,490 male controls of Japanese ancestry (Momozawa Y et al. Nat Commun, 2018 10;9:4083). This amino acid position is not well conserved in available vertebrate species. In addition, this alteration is predicted to be tolerated by in silico analysis. Since supporting evidence is limited at this time, the clinical significance of this alteration remains unclear.

All of Us Research Program, National Institutes of Health
Classification: Uncertain significance for Breast-ovarian cancer, familial, susceptibility to, 2. Last evaluated: 2023-11-30. Review status: criteria provided, single submitter. Criteria: ACMG Guidelines, 2015. Collection method: clinical testing. Allele origin: germline. Inheritance: Autosomal dominant inheritance. Observed: 4 variant alleles, 4 heterozygotes.
Comment: This missense variant replaces glutamic acid with lysine at codon 2275 of the BRCA2 protein. Computational prediction suggests that this variant may not impact protein structure and function (internally defined REVEL score threshold <= 0.5, PMID: 27666373). To our knowledge, functional studies have not been reported for this variant. This variant has been reported in an individual affected with breast cancer (PMID: 33471991; Leiden Open Variation Database DB-ID BRCA2_002285) and in unaffected individuals (PMID: 30287823, 31214711, 32980694). This variant has been reported in a multifactorial analysis with segregation likelihood ratio for pathogenicity of 1.0415 (PMID: 31131967). This variant has been identified in 1/250282 chromosomes in the general population by the Genome Aggregation Database (gnomAD). The available evidence is insufficient to determine the role of this variant in disease conclusively. Therefore, this variant is classified as a Variant of Uncertain Significance.

This study involves interpretation of variants in research participants for the purpose of population health screening. Participant phenotype was not available at the time of variant classification. Additional details can be found in publication PMID: 35346344, PMCID: PMC8962531

Labcorp Genetics (formerly Invitae), Labcorp
Classification: Uncertain significance for Hereditary breast ovarian cancer syndrome. Last evaluated: 2023-07-03. Review status: criteria provided, single submitter. Criteria: Invitae Variant Classification Sherloc (09022015). Collection method: clinical testing. Allele origin: germline.
Comment: In summary, the available evidence is currently insufficient to determine the role of this variant in disease. Therefore, it has been classified as a Variant of Uncertain Significance. Advanced modeling of protein sequence and biophysical properties (such as structural, functional, and spatial information, amino acid conservation, physicochemical variation, residue mobility, and thermodynamic stability) performed at Invitae indicates that this missense variant is not expected to disrupt BRCA2 protein function. ClinVar contains an entry for this variant (Variation ID: 142290). This variant has not been reported in the literature in individuals affected with BRCA2-related conditions. This variant is present in population databases (rs587782362, gnomAD 0.0009%). This sequence change replaces glutamic acid, which is acidic and polar, with lysine, which is basic and polar, at codon 2275 of the BRCA2 protein (p.Glu2275Lys).

University of Washington Department of Laboratory Medicine, University of Washington
Classification: Likely benign for Hereditary cancer-predisposing syndrome. Last evaluated: 2023-03-23. Review status: criteria provided, single submitter. Criteria: Dines et al. (Genet Med. 2020). Collection method: curation. Allele origin: germline.
Comment: Missense variant in a coldspot region where missense variants are very unlikely to be pathogenic (PMID:31911673).

BRCA2 exon 11 coldspot. Reclassification based on statistical prior probability.

Quest Diagnostics Nichols Institute San Juan Capistrano
Classification: Uncertain significance. Last evaluated: 2018-10-15. Review status: criteria provided, single submitter. Criteria: Quest Diagnostics criteria. Collection method: clinical testing. Allele origin: germline.

GeneDx
Classification: Uncertain significance. Last evaluated: 2014-04-23. Review status: criteria provided, single submitter. Criteria: GeneDx Variant Classification (06012015). Collection method: clinical testing. Allele origin: germline. Affected: yes.
Comment: This variant is denoted BRCA2 c.6823G>A at the cDNA level, p.Glu2275Lys (E2275K) at the protein level, and results in the change of a Glutamic Acid to a Lysine (GAG>AAG). This variant has not, to our knowledge, been published in the literature as pathogenic or benign. BRCA2 Glu2275Lys was not observed in approximately 6,500 individuals of European and African American ancestry in the NHLBI Exome Sequencing Project, suggesting it is not a common benign variant in these populations. This variant is a non-conservative substitution in which a negative polar amino acid is replaced with a positive polar one, altering a position that is highly variable throughout evolution and is not located in a known functional domain. In silico analyses predict this variant to have a benign effect on protein structure and function. Based on the currently available information, we consider BRCA2 Glu2275Lys to be a variant of uncertain significance.

Literature cited by the submitters: PubMed 25085752 (cited by Myriad Genetics, Inc.); PubMed 30287823 (cited by 4 submitters); PubMed 31131967 (cited by Color Diagnostics, LLC DBA Color Health and All of Us Research Program, National Institutes of Health); PubMed 31214711 (cited by 3 submitters); PubMed 31853058 (cited by Color Diagnostics, LLC DBA Color Health); PubMed 32980694 (cited by Color Diagnostics, LLC DBA Color Health and All of Us Research Program, National Institutes of Health); PubMed 33471991 (cited by Color Diagnostics, LLC DBA Color Health and All of Us Research Program, National Institutes of Health).